The following is an entry in ClinVar:

NM_020461.4(TUBGCP6):c.4082C>T (p.Pro1361Leu)

Gene: TUBGCP6 (tubulin gamma complex component 6; minus strand). Cytogenetic location: 22q13.33.
Variant type: single nucleotide variant.
Coding change: c.4082C>T on transcript NM_020461.4 (MANE Select); coding-DNA position 4082, C replaced by T.
Protein change: p.Pro1361Leu; replaces proline 1361 with leucine.
Molecular consequence: missense variant.
Genome position (GRCh38, 1-based): chr22:50,220,277, G>A on the plus strand (C>T on the coding strand, the complement: TUBGCP6 is on the minus strand). VCF-style: chr22-50220277-G-A. GRCh37 (hg19) VCF-style: chr22-50658706-G-A.
Other names: c.4082C>T (NM_020461.3); short protein forms P1361L.
Identifiers: ClinVar variation 1473336 (VCV001473336.8), dbSNP rs374905114, ClinGen allele CA10307733.
Genomic context (GRCh38, chr22:50,220,277, plus strand): 5'-TCCCACTCCTGACCACCAGCCACCCTACTCTGACCTAGTTCTTCAGAGACACTGTCTCCC[G>A]GGGTGTTGGGCCACCATGGTTGGGTGGGAGCCACGTCTGACACGTTCTCCCCCACGCTGA-3'
Protein context (NP_065194.3, residues 1351-1371): APTQPWWPNT[Pro1361Leu]GDSVSEELGP

ClinVar aggregate classification (germline): Conflicting classifications of pathogenicity. Review status: criteria provided, conflicting classifications (1 of 4 stars). 3 submissions from 3 submitters: Uncertain significance (1); Likely benign (2). Last evaluated 2023-03-22.

Conditions:
Inborn genetic diseases. Identifiers: MedGen C0950123, MeSH D030342.

Allele frequency attached by ClinVar (database versions not stated): gnomAD 0.00001; ESP Exome Variant Server 0.00008.
gnomAD v4.1: 53 of 1,570,362 alleles (0.0034%); highest among the groups gnomAD compares: East Asian, 0.045%; no homozygotes.

Submissions (3):

Ambry Genetics
Classification: Likely benign for Inborn genetic diseases. Last evaluated: 2023-03-22. Review status: criteria provided, single submitter. Criteria: Ambry Variant Classification Scheme 2023. Collection method: clinical testing. Allele origin: germline.

Labcorp Genetics (formerly Invitae), Labcorp
Classification: Uncertain significance. Last evaluated: 2022-05-12. Review status: criteria provided, single submitter. Criteria: Invitae Variant Classification Sherloc (09022015). Collection method: clinical testing. Allele origin: germline.
Comment: This sequence change replaces proline, which is neutral and non-polar, with leucine, which is neutral and non-polar, at codon 1361 of the TUBGCP6 protein (p.Pro1361Leu). This variant is present in population databases (rs374905114, gnomAD 0.09%). This variant has not been reported in the literature in individuals affected with TUBGCP6-related conditions. Algorithms developed to predict the effect of missense changes on protein structure and function output the following: SIFT: "Tolerated"; PolyPhen-2: "Benign"; Align-GVGD: "Class C0". The leucine amino acid residue is found in multiple mammalian species, which suggests that this missense change does not adversely affect protein function. In summary, the available evidence is currently insufficient to determine the role of this variant in disease. Therefore, it has been classified as a Variant of Uncertain Significance.

Blueprint Genetics
Classification: Likely benign. Last evaluated: 2021-04-22. Review status: criteria provided, single submitter. Criteria: ACMG Guidelines, 2015. Collection method: clinical testing. Allele origin: germline.